The following is an entry in ClinVar:

NM_002860.4(ALDH18A1):c.22T>A (p.Cys8Ser)

Gene: ALDH18A1 (aldehyde dehydrogenase 18 family member A1; minus strand). Cytogenetic location: 10q24.1.
Variant type: single nucleotide variant.
Coding change: c.22T>A on transcript NM_002860.4 (MANE Select); coding-DNA position 22, T replaced by A.
Protein change: p.Cys8Ser; replaces cysteine 8 with serine.
Molecular consequence: missense variant. On other transcripts: 5 prime UTR variant (4).
Genome position (GRCh38, 1-based): chr10:95,653,356, A>T on the plus strand (T>A on the coding strand, the complement: ALDH18A1 is on the minus strand). VCF-style: chr10-95653356-A-T. GRCh37 (hg19) VCF-style: chr10-97413113-A-T.
Other names: c.22T>A, p.Cys8Ser (NM_001017423.2, NM_001323413.2, NM_001323414.2 and 2 more transcripts); c.-97T>A (NM_001323412.2, NM_001323416.2, NM_001323418.2); c.-145T>A (NM_001323419.2); short protein forms C8S.
Identifiers: ClinVar variation 3763081 (VCV003763081.2).

ClinVar aggregate classification (germline): Uncertain significance (1 of 4 stars; one submission).

Conditions:
Cutis laxa, autosomal dominant 3 (ADCL3). Identifiers: Orphanet 90348, MedGen C4225268, MONDO:0014706, OMIM 616603.
Autosomal dominant spastic paraplegia type 9. Identifiers: MedGen C1832669, MONDO:0015091.
de Barsy syndrome. Also called: Cutis laxa-corneal clouding-oligophrenia syndrome. Identifiers: Orphanet 2962, MedGen C0268354, MONDO:0017569.

Submission:

Labcorp Genetics (formerly Invitae), Labcorp
Classification: Uncertain significance for Autosomal dominant spastic paraplegia type 9; de Barsy syndrome; Cutis laxa, autosomal dominant 3. Last evaluated: 2025-05-17. Review status: criteria provided, single submitter. Criteria: Invitae Variant Classification Sherloc (09022015). Collection method: clinical testing. Allele origin: germline.
Comment: This sequence change replaces cysteine, which is neutral and slightly polar, with serine, which is neutral and polar, at codon 8 of the ALDH18A1 protein (p.Cys8Ser). This variant is not present in population databases (gnomAD no frequency). This variant has not been reported in the literature in individuals affected with ALDH18A1-related conditions. ClinVar contains an entry for this variant (Variation ID: 3763081). An algorithm developed to predict the effect of missense changes on protein structure and function outputs the following: PolyPhen-2: "Benign". The serine amino acid residue is found in multiple mammalian species, which suggests that this missense change does not adversely affect protein function. In summary, the available evidence is currently insufficient to determine the role of this variant in disease. Therefore, it has been classified as a Variant of Uncertain Significance.